The following is an entry in ClinVar:

NM_004996.4(ABCC1):c.3171G>A (p.Leu1057=)

Gene: ABCC1 (ATP binding cassette subfamily C member 1 (ABCC1 blood group); plus strand). Cytogenetic location: 16p13.11.
Variant type: single nucleotide variant.
Coding change: c.3171G>A on transcript NM_004996.4 (MANE Select); coding-DNA position 3171, G replaced by A.
Protein change: p.Leu1057=; no amino-acid change (leucine 1057 retained).
Molecular consequence: synonymous variant.
Genome position (GRCh38, 1-based): chr16:16,114,857, G>A. VCF-style: chr16-16114857-G-A. GRCh37 (hg19) VCF-style: chr16-16208714-G-A.
Identifiers: ClinVar variation 778121 (VCV000778121.32), dbSNP rs191017838, ClinGen allele CA7924572.
Genomic context (GRCh38, chr16:16,114,857, plus strand): 5'-GTCCATCGGGGGGATCTTGGCTTCCCGCTGTCTGCACGTGGACCTGCTGCACAGCATCCT[G>A]CGGTCACCCATGAGCTTCTTTGAGCGGACCCCCAGTGGGAACCTGGTGAACCGCTTCTCC-3'
Protein context (NP_004987.2, residues 1047-1067): CLHVDLLHSI[Leu1057=]RSPMSFFERT

ClinVar aggregate classification (germline): Benign/Likely benign. Review status: criteria provided, multiple submitters, no conflicts (2 of 4 stars). 3 submissions from 3 submitters: Benign (1); Likely benign (2). Last evaluated 2024-11-26.

Allele frequency attached by ClinVar (database versions not stated): 1000 Genomes Project 0.00080; 1000 Genomes Project 30x 0.00125; ExAC 0.00342; gnomAD 0.00357 and 0.00377; gnomAD exomes 0.00362; TOPMed 0.00408; ESP Exome Variant Server 0.00551.
gnomAD v4.1: 9,432 of 1,613,996 alleles (0.58%); highest among the groups gnomAD compares: Non-Finnish European, 0.72%; 35 homozygotes.

Submissions (3):

Blueprint Genetics
Classification: Likely benign. Last evaluated: 2024-11-26. Review status: criteria provided, single submitter. Criteria: ACMG Guidelines, 2015. Collection method: clinical testing. Allele origin: germline.

CeGaT Center for Human Genetics Tuebingen
Classification: Likely benign. Last evaluated: 2023-02-01. Review status: criteria provided, single submitter. Criteria: CeGaT Center For Human Genetics Tuebingen Variant Classification Criteria Version 2. Collection method: clinical testing. Allele origin: germline. Affected: yes. Observed: 2 variant alleles.
Comment: ABCC1: BP4, BP7, BS2

Labcorp Genetics (formerly Invitae), Labcorp
Classification: Benign. Last evaluated: 2018-07-09. Review status: criteria provided, single submitter. Criteria: Invitae Variant Classification Sherloc (09022015). Collection method: clinical testing. Allele origin: germline.